The following is an entry in ClinVar:

ClinVar aggregate classification (germline): Uncertain significance. Review status: criteria provided, multiple submitters, no conflicts (2 of 4 stars). 2 submissions from 2 submitters: Uncertain significance (2). Last evaluated 2022-02-24.

gnomAD v4.1: 8 of 1,614,254 alleles (0.0005%); highest among the groups gnomAD compares: Non-Finnish European, 0.00068%; no homozygotes.

Submissions (2):

Blueprint Genetics
Classification: Uncertain significance. Last evaluated: 2022-02-24. Review status: criteria provided, single submitter. Criteria: ACMG Guidelines, 2015. Collection method: clinical testing. Allele origin: germline.

Labcorp Genetics (formerly Invitae), Labcorp
Classification: Uncertain significance. Last evaluated: 2021-05-10. Review status: criteria provided, single submitter. Criteria: Invitae Variant Classification Sherloc (09022015). Collection method: clinical testing. Allele origin: germline.
Comment: This sequence change replaces glutamic acid with aspartic acid at codon 13 of the C8orf37 protein (p.Glu13Asp). The glutamic acid residue is highly conserved and there is a small physicochemical difference between glutamic acid and aspartic acid. This variant is not present in population databases (ExAC no frequency). This variant has not been reported in the literature in individuals with C8orf37-related conditions. Algorithms developed to predict the effect of missense changes on protein structure and function are either unavailable or do not agree on the potential impact of this missense change (SIFT: "Deleterious"; PolyPhen-2: "Probably Damaging"; Align-GVGD: "Class C0"). In summary, the available evidence is currently insufficient to determine the role of this variant in disease. Therefore, it has been classified as a Variant of Uncertain Significance.

NM_177965.4(CFAP418):c.39G>C (p.Glu13Asp)

Genes: CFAP418 (cilia and flagella associated protein 418; minus strand), CFAP418-AS1 (CFAP418 antisense RNA 1; plus strand), LOC130000784 (ATAC-STARR-seq lymphoblastoid active region 27655; plus strand). Cytogenetic location: 8q22.1.
Variant type: single nucleotide variant.
Coding change: c.39G>C on transcript NM_177965.4 (MANE Select); coding-DNA position 39, G replaced by C.
Protein change: p.Glu13Asp; replaces glutamic acid 13 with aspartic acid.
Molecular consequence: missense variant.
Genome position (GRCh38, 1-based): chr8:95,269,151, C>G on the plus strand (G>C on the coding strand, the complement: CFAP418 is on the minus strand). VCF-style: chr8-95269151-C-G. GRCh37 (hg19) VCF-style: chr8-96281379-C-G.
Other names: c.39G>C, p.Glu13Asp (NM_001363260.1); short protein forms E13D.
Identifiers: ClinVar variation 1681156 (VCV001681156.9), dbSNP rs1158351205, ClinGen allele CA371837964.